The following is an entry in ClinVar:

NM_001166108.2(PALLD):c.1965-12789G>T

Gene: PALLD (palladin, cytoskeletal associated protein; plus strand). Cytogenetic location: 4q32.3.
Variant type: single nucleotide variant.
Coding change: c.1965-12789G>T on transcript NM_001166108.2 (MANE Select); 12789 bases into the intron before coding-DNA position 1965, G replaced by T.
Molecular consequence: intron variant. On other transcripts: missense variant (1).
Genome position (GRCh38, 1-based): chr4:168,878,133, G>T. VCF-style: chr4-168878133-G-T. GRCh37 (hg19) VCF-style: chr4-169799284-G-T.
Other names: c.242G>T, p.Trp81Leu (NM_001166110.2); c.1965-12789G>T (NM_016081.4); c.819-12789G>T (NM_001166109.2); c.-157-12789G>T (NM_001367570.1, NM_001367568.1, NM_001367567.1 and 1 more transcripts); short protein forms W81L.
Identifiers: ClinVar variation 3413692 (VCV003413692.1).

ClinVar aggregate classification (germline): Uncertain significance (1 of 4 stars; one submission).

Submission:

Ambry Genetics
Classification: Uncertain significance. Last evaluated: 2024-11-18. Review status: criteria provided, single submitter. Criteria: Ambry Variant Classification Scheme 2023. Collection method: clinical testing. Allele origin: germline.
Comment: The p.W81L variant (also known as c.242G>T), located in coding exon 1 of the PALLD gene, results from a G to T substitution at nucleotide position 242. The tryptophan at codon 81 is replaced by leucine, an amino acid with similar properties. This amino acid position is conserved. In addition, this alteration is predicted to be tolerated by in silico analysis. Based on the available evidence, the clinical significance of this variant remains unclear.